The following is an entry in ClinVar:

NM_005506.4(SCARB2):c.291A>G (p.Lys97=)

Gene: SCARB2 (scavenger receptor class B member 2; minus strand). Cytogenetic location: 4q21.1.
Variant type: single nucleotide variant.
Coding change: c.291A>G on transcript NM_005506.4 (MANE Select); coding-DNA position 291, A replaced by G.
Protein change: p.Lys97=; no amino-acid change (lysine 97 retained).
Molecular consequence: synonymous variant. On other transcripts: intron variant (1).
Genome position (GRCh38, 1-based): chr4:76,181,086, T>C on the plus strand (A>G on the coding strand, the complement: SCARB2 is on the minus strand). VCF-style: chr4-76181086-T-C. GRCh37 (hg19) VCF-style: chr4-77102239-T-C.
Other names: c.276-5176A>G (NM_001204255.2).
Identifiers: ClinVar variation 383677 (VCV000383677.16), dbSNP rs377635556, ClinGen allele CA2970357.

ClinVar aggregate classification (germline): Likely benign. Review status: criteria provided, multiple submitters, no conflicts (2 of 4 stars). 4 submissions from 4 submitters: Likely benign (3). 1 of the submissions does not count toward it. Last evaluated 2025-09-21.

Conditions:
Progressive myoclonic epilepsy. Also called: Myoclonus epilepsy; Progressive myoclonus epilepsy; Familial progressive myoclonic epilepsy; Myoclonic Epilepsies, Progressive. Identifiers: Orphanet 308, Orphanet 98261, MedGen C0751778, MONDO:0020074.
SCARB2-related disorder. Also called: SCARB2-related condition.
Inborn genetic diseases. Identifiers: MedGen C0950123, MeSH D030342.

Allele frequency attached by ClinVar (database versions not stated): TOPMed 0.00001; gnomAD exomes 0.00002 and 0.00006; ExAC 0.00003; ESP Exome Variant Server 0.00008.
gnomAD v4.1: 80 of 1,613,776 alleles (0.005%); highest among the groups gnomAD compares: Non-Finnish European, 0.0066%; no homozygotes.

Submissions (4):

Labcorp Genetics (formerly Invitae), Labcorp
Classification: Likely benign for Progressive myoclonic epilepsy. Last evaluated: 2025-09-21. Review status: criteria provided, single submitter. Criteria: Invitae Variant Classification Sherloc (09022015). Collection method: clinical testing. Allele origin: germline.

GeneDx
Classification: Likely benign. Last evaluated: 2016-02-12. Review status: criteria provided, single submitter. Criteria: GeneDx Variant Classification (06012015). Collection method: clinical testing. Allele origin: germline. Affected: yes.
Comment: This variant is considered likely benign or benign based on one or more of the following criteria: it is a conservative change, it occurs at a poorly conserved position in the protein, it is predicted to be benign by multiple in silico algorithms, and/or has population frequency not consistent with disease.

Ambry Genetics
Classification: Likely benign for Inborn genetic diseases. Last evaluated: 2016-02-09. Review status: criteria provided, single submitter. Criteria: Ambry Variant Classification Scheme 2023. Collection method: clinical testing. Allele origin: germline.

PreventionGenetics, part of Exact Sciences
Classification: Likely benign for SCARB2-related condition. Last evaluated: 2019-09-17. Review status: no assertion criteria provided. Collection method: clinical testing. Allele origin: germline. Not counted in ClinVar's aggregate classification.
Comment: This variant is classified as likely benign based on ACMG/AMP sequence variant interpretation guidelines (Richards et al. 2015 PMID: 25741868, with internal and published modifications).